The following is an entry in ClinVar:

NM_018122.5(DARS2):c.1563+5C>T

Gene: DARS2 (aspartyl-tRNA synthetase 2, mitochondrial; plus strand). Cytogenetic location: 1q25.1.
Variant type: single nucleotide variant.
Coding change: c.1563+5C>T on transcript NM_018122.5 (MANE Select); 5 bases into the intron after coding-DNA position 1563, C replaced by T.
Molecular consequence: intron variant.
Genome position (GRCh38, 1-based): chr1:173,853,572, C>T. VCF-style: chr1-173853572-C-T. GRCh37 (hg19) VCF-style: chr1-173822710-C-T.
Other names: c.1410+5C>T (NM_001365212.1).
Identifiers: ClinVar variation 806288 (VCV000806288.45), dbSNP rs369964430, ClinGen allele CA1250441.

ClinVar aggregate classification (germline): Uncertain significance. Review status: criteria provided, multiple submitters, no conflicts (2 of 4 stars). 3 submissions from 3 submitters: Uncertain significance (3). Last evaluated 2023-04-11.

Conditions:
Leukoencephalopathy with brain stem and spinal cord involvement-high lactate syndrome (LBSL). Also called: LEUKOENCEPHALOPATHY WITH BRAINSTEM AND SPINAL CORD INVOLVEMENT AND LACTATE ELEVATION, MILD; MITOCHONDRIAL ASPARTYL-tRNA SYNTHETASE DEFICIENCY; Leukoencephalopathy with Brainstem and Spinal Cord Involvement and Lactate Elevation. Identifiers: Orphanet 137898, MedGen C1970180, MONDO:0012622, OMIM 611105.

Allele frequency attached by ClinVar (database versions not stated): ESP Exome Variant Server 0.00008; TOPMed 0.00004; ExAC 0.00006; gnomAD 0.00006; gnomAD exomes 0.00006.
gnomAD v4.1: 106 of 1,613,674 alleles (0.0066%); highest among the groups gnomAD compares: Non-Finnish European, 0.0081%; no homozygotes.

Submissions (3):

Genome-Nilou Lab
Classification: Uncertain significance for Leukoencephalopathy with brain stem and spinal cord involvement-high lactate syndrome. Last evaluated: 2023-04-11. Review status: criteria provided, single submitter. Criteria: ACMG Guidelines, 2015. Collection method: clinical testing. Allele origin: germline. Affected: no.

Labcorp Genetics (formerly Invitae), Labcorp
Classification: Uncertain significance. Last evaluated: 2021-12-08. Review status: criteria provided, single submitter. Criteria: Invitae Variant Classification Sherloc (09022015). Collection method: clinical testing. Allele origin: germline.
Comment: This sequence change falls in intron 14 of the DARS2 gene. It does not directly change the encoded amino acid sequence of the DARS2 protein. It affects a nucleotide within the consensus splice site. This variant is present in population databases (rs369964430, gnomAD 0.01%). This variant has not been reported in the literature in individuals affected with DARS2-related conditions. ClinVar contains an entry for this variant (Variation ID: 806288). Variants that disrupt the consensus splice site are a relatively common cause of aberrant splicing (PMID: 17576681, 9536098). Algorithms developed to predict the effect of sequence changes on RNA splicing suggest that this variant is not likely to affect RNA splicing. In summary, the available evidence is currently insufficient to determine the role of this variant in disease. Therefore, it has been classified as a Variant of Uncertain Significance.

CeGaT Center for Human Genetics Tuebingen
Classification: Uncertain significance. Last evaluated: 2018-12-01. Review status: criteria provided, single submitter. Criteria: CeGaT Center For Human Genetics Tuebingen Variant Classification Criteria Version 2. Collection method: clinical testing. Allele origin: germline. Affected: yes. Observed: 1 variant allele.

Literature cited by the submitters: PubMed 17576681 (cited by Labcorp Genetics (formerly Invitae), Labcorp); PubMed 9536098 (cited by Labcorp Genetics (formerly Invitae), Labcorp).